The following is an entry in ClinVar:

NM_170707.4(LMNA):c.29C>G (p.Thr10Ser)

Genes: LMNA (lamin A/C; plus strand), LOC129931597 (ATAC-STARR-seq lymphoblastoid silent region 1421; plus strand). Cytogenetic location: 1q22.
Variant type: single nucleotide variant.
Coding change: c.29C>G on transcript NM_170707.4 (MANE Select); coding-DNA position 29, C replaced by G.
Protein change: p.Thr10Ser; replaces threonine 10 with serine.
Molecular consequence: missense variant. On other transcripts: 5 prime UTR variant (8), intron variant (2).
Genome position (GRCh38, 1-based): chr1:156,114,947, C>G. VCF-style: chr1-156114947-C-G. GRCh37 (hg19) VCF-style: chr1-156084738-C-G.
Other names: c.29C>G, p.Thr10Ser (NM_001282625.2, NM_001282626.2, NM_001406983.1 and 6 more transcripts); c.-395C>G (NM_001406986.1); c.-373C>G (NM_001406990.1, NM_001406995.1, NM_001407002.1); c.-636C>G (NM_001406994.1, NM_001407000.1); c.-816C>G (NM_001406999.1); c.-479C>G (NM_001407001.1); c.-203+8124C>G (NM_001406993.1, NM_001407003.1); short protein forms T10S.
Identifiers: ClinVar variation 3633621 (VCV003633621.3).

ClinVar aggregate classification (germline): Conflicting classifications of pathogenicity. Review status: criteria provided, conflicting classifications (1 of 4 stars). 2 submissions from 2 submitters: Likely pathogenic (1); Uncertain significance (1). Last evaluated 2024-05-11.

Conditions:
Charcot-Marie-Tooth disease type 2. Also called: Charcot-Marie-Tooth type 2. Identifiers: Orphanet 64746, MedGen C0270914, MONDO:0018993.

Submissions (2):

Labcorp Genetics (formerly Invitae), Labcorp
Classification: Likely pathogenic for Charcot-Marie-Tooth disease type 2. Last evaluated: 2024-05-11. Review status: criteria provided, single submitter. Criteria: Invitae Variant Classification Sherloc (09022015). Collection method: clinical testing. Allele origin: germline.
Comment: This sequence change replaces threonine, which is neutral and polar, with serine, which is neutral and polar, at codon 10 of the LMNA protein (p.Thr10Ser). This variant is not present in population databases (gnomAD no frequency). This variant has not been reported in the literature in individuals affected with LMNA-related conditions. Advanced modeling of protein sequence and biophysical properties (such as structural, functional, and spatial information, amino acid conservation, physicochemical variation, residue mobility, and thermodynamic stability) performed at Invitae indicates that this missense variant is expected to disrupt LMNA protein function with a positive predictive value of 95%. This variant disrupts the p.Thr10 amino acid residue in LMNA. Other variant(s) that disrupt this residue have been determined to be pathogenic (PMID: 29267953). This suggests that this residue is clinically significant, and that variants that disrupt this residue are likely to be disease-causing. In summary, the currently available evidence indicates that the variant is pathogenic, but additional data are needed to prove that conclusively. Therefore, this variant has been classified as Likely Pathogenic.

Blueprint Genetics
Classification: Uncertain significance. Last evaluated: 2019-02-08. Review status: criteria provided, single submitter. Criteria: ACMG Guidelines, 2015. Collection method: clinical testing. Allele origin: germline.

Literature cited by the submitters: PubMed 29267953 (cited by Labcorp Genetics (formerly Invitae), Labcorp).